The following is an entry in ClinVar:

NM_015164.4(PLEKHM2):c.1517G>A (p.Gly506Glu)

Gene: PLEKHM2 (pleckstrin homology and RUN domain containing M2; plus strand). Cytogenetic location: 1p36.21.
Variant type: single nucleotide variant.
Coding change: c.1517G>A on transcript NM_015164.4 (MANE Select); coding-DNA position 1517, G replaced by A.
Protein change: p.Gly506Glu; replaces glycine 506 with glutamic acid.
Molecular consequence: missense variant.
Genome position (GRCh38, 1-based): chr1:15,727,589, G>A. VCF-style: chr1-15727589-G-A. GRCh37 (hg19) VCF-style: chr1-16054084-G-A.
Other names: c.1457G>A, p.Gly486Glu (NM_001410755.1); short protein forms G506E, G486E.
Identifiers: ClinVar variation 2082030 (VCV002082030.4), dbSNP rs2522445395, ClinGen allele CA338587551.
Genomic context (GRCh38, chr1:15,727,589, plus strand): 5'-GGCTTGGCCAACCGCTGCATGTTCCTAGTAGCCCTGAGGCTGCTGGCCAAGAAGAAGAGG[G>A]AGGAGGAGGAGAGGGACAGACGCCTCGGCCCCTAGAGGATACCACGAGGGAGGCTCAGGA-3'
Protein context (NP_055979.2, residues 496-516): SPEAAGQEEE[Gly506Glu]GGGEGQTPRP

ClinVar aggregate classification (germline): Uncertain significance (1 of 4 stars; one submission).

Submission:

Labcorp Genetics (formerly Invitae), Labcorp
Classification: Uncertain significance. Last evaluated: 2025-02-17. Review status: criteria provided, single submitter. Criteria: Invitae Variant Classification Sherloc (09022015). Collection method: clinical testing. Allele origin: germline.
Comment: This sequence change replaces glycine, which is neutral and non-polar, with glutamic acid, which is acidic and polar, at codon 506 of the PLEKHM2 protein (p.Gly506Glu). This variant is not present in population databases (gnomAD no frequency). This variant has not been reported in the literature in individuals affected with PLEKHM2-related conditions. ClinVar contains an entry for this variant (Variation ID: 2082030). An algorithm developed to predict the effect of missense changes on protein structure and function (PolyPhen-2) suggests that this variant is likely to be disruptive. In summary, the available evidence is currently insufficient to determine the role of this variant in disease. Therefore, it has been classified as a Variant of Uncertain Significance.